The following is an entry in ClinVar:

ClinVar aggregate classification (germline): Uncertain significance (1 of 4 stars; one submission).

Conditions:
Cardiomyopathy (CMYO). Also called: Cardiomyopathies. Identifiers: Orphanet 167848, MedGen C0878544, MONDO:0004994, HP:0001638. Inheritance: Various modes of inheritance.

Submission:

Color Diagnostics, LLC DBA Color Health
Classification: Uncertain significance for Cardiomyopathy. Last evaluated: 2025-08-25. Review status: criteria provided, single submitter. Criteria: ACMG Guidelines, 2015. Collection method: clinical testing. Allele origin: germline.
Comment: This missense variant replaces lysine with arginine at codon 813 of the MYBPC3 protein. Computational prediction suggests that this variant may not impact protein structure and function. To our knowledge, functional studies have not been reported for this variant. This variant has not been reported in individuals affected with MYBPC3-related disorders in the literature. This variant has not been identified in the general population by the Genome Aggregation Database (gnomAD). The available evidence is insufficient to determine the role of this variant in disease conclusively. Therefore, this variant is classified as a Variant of Uncertain Significance.

NM_000256.3(MYBPC3):c.2438A>G (p.Lys813Arg)

Gene: MYBPC3 (myosin binding protein C3; minus strand). Cytogenetic location: 11p11.2.
Variant type: single nucleotide variant.
Coding change: c.2438A>G on transcript NM_000256.3 (MANE Select); coding-DNA position 2438, A replaced by G.
Protein change: p.Lys813Arg; replaces lysine 813 with arginine.
Molecular consequence: missense variant.
Genome position (GRCh38, 1-based): chr11:47,337,555, T>C on the plus strand (A>G on the coding strand, the complement: MYBPC3 is on the minus strand). VCF-style: chr11-47337555-T-C. GRCh37 (hg19) VCF-style: chr11-47359106-T-C.
Other names: short protein forms K813R.
Identifiers: ClinVar variation 4757784 (VCV004757784.1).